The following is an entry in ClinVar:

ClinVar aggregate classification (germline): Pathogenic/Likely pathogenic. Review status: criteria provided, multiple submitters, no conflicts (2 of 4 stars). 2 submissions from 2 submitters: Pathogenic (1); Likely pathogenic (1). Last evaluated 2022-08-09.

Conditions:
Multiple congenital exostosis (EXT). Also called: Hereditary multiple exostoses; Hereditary multiple exostosis; MULTIPLE CARTILAGINOUS EXOSTOSES; Multiple osteochondromas; Hereditary multiple osteochondromas; Multiple exostoses. Identifiers: Orphanet 321, MedGen C0015306, MONDO:0005508, HP:0002762.

Submissions (2):

GeneDx
Classification: Likely pathogenic. Last evaluated: 2022-08-09. Review status: criteria provided, single submitter. Criteria: GeneDx Variant Classification Process June 2021. Collection method: clinical testing. Allele origin: germline. Affected: yes.
Comment: Published functional studies demonstrate a damaging loss-of-function impact (Cheung et al., 2001); Not observed at significant frequency in large population cohorts (gnomAD); In silico analysis supports that this missense variant has a deleterious effect on protein structure/function; This variant is associated with the following publications: (PMID: 9521425, 11391482)

Labcorp Genetics (formerly Invitae), Labcorp
Classification: Pathogenic for Multiple congenital exostosis. Last evaluated: 2018-03-01. Review status: criteria provided, single submitter. Criteria: Invitae Variant Classification Sherloc (09022015). Collection method: clinical testing. Allele origin: germline.
Comment: For these reasons, this variant has been classified as Pathogenic. A different missense substitution at this codon (p.Arg280Gly) has been determined to be pathogenic (PMID: 9463333). This suggests that the arginine residue is critical for EXT1 protein function and that other missense substitutions at this position may also be pathogenic. Experimental studies have shown that this missense changes leads to a loss of heparan sulfate biosynthesis (PMID: 11391482). This variant has been reported in individuals affected with hereditary multiple osteochondromatosis (PMID: 9521425, Invitae). This variant is not present in population databases (ExAC no frequency). This sequence change replaces arginine with serine at codon 280 of the EXT1 protein (p.Arg280Ser). The arginine residue is highly conserved and there is a moderate physicochemical difference between arginine and serine.

Literature cited by the submitters: PubMed 9463333 (cited by Labcorp Genetics (formerly Invitae), Labcorp); PubMed 11391482 (cited by Labcorp Genetics (formerly Invitae), Labcorp); PubMed 9521425 (cited by Labcorp Genetics (formerly Invitae), Labcorp).

NM_000127.3(EXT1):c.840G>C (p.Arg280Ser)

Gene: EXT1 (exostosin glycosyltransferase 1; minus strand). Cytogenetic location: 8q24.11.
Variant type: single nucleotide variant.
Coding change: c.840G>C on transcript NM_000127.3 (MANE Select); coding-DNA position 840, G replaced by C.
Protein change: p.Arg280Ser; replaces arginine 280 with serine.
Molecular consequence: missense variant.
Genome position (GRCh38, 1-based): chr8:118,110,207, C>G on the plus strand (G>C on the coding strand, the complement: EXT1 is on the minus strand). VCF-style: chr8-118110207-C-G. GRCh37 (hg19) VCF-style: chr8-119122446-C-G.
Other names: short protein forms R280S.
Identifiers: ClinVar variation 576662 (VCV000576662.9), dbSNP rs1563659325, ClinGen allele CA371914941.